The following is an entry in ClinVar:

ClinVar aggregate classification (germline): Uncertain significance (1 of 4 stars; one submission).

Conditions:
Cardiovascular phenotype. Identifiers: MedGen CN230736.

Submission:

Ambry Genetics
Classification: Uncertain significance for Cardiovascular phenotype. Last evaluated: 2025-09-12. Review status: criteria provided, single submitter. Criteria: Ambry Variant Classification Scheme 2023. Collection method: clinical testing. Allele origin: germline.
Comment: The p.D2245V variant (also known as c.6734A>T), located in coding exon 18 of the TNXB gene, results from an A to T substitution at nucleotide position 6734. The aspartic acid at codon 2245 is replaced by valine, an amino acid with highly dissimilar properties. This amino acid position is conserved. In addition, this alteration is predicted to be tolerated by in silico analysis. Based on the available evidence, the clinical significance of this variant remains unclear.

NM_001365276.2(TNXB):c.6734A>T (p.Asp2245Val)

Gene: TNXB (tenascin XB; minus strand). Cytogenetic location: 6p21.33.
Variant type: single nucleotide variant.
Coding change: c.6734A>T on transcript NM_001365276.2 (MANE Select); coding-DNA position 6734, A replaced by T.
Protein change: p.Asp2245Val; replaces aspartic acid 2245 with valine.
Molecular consequence: missense variant.
Genome position (GRCh38, 1-based): chr6:32,064,928, T>A on the plus strand (A>T on the coding strand, the complement: TNXB is on the minus strand). VCF-style: chr6-32064928-T-A. GRCh37 (hg19) VCF-style: chr6-32032705-T-A.
Other names: c.7475A>T, p.Asp2492Val (NM_001428335.1); c.6734A>T, p.Asp2245Val (NM_019105.8); short protein forms D2245V, D2492V.
Identifiers: ClinVar variation 4188740 (VCV004188740.1).